The following is an entry in ClinVar:

NM_004260.4(RECQL4):c.2644_2647dup (p.Glu883delinsGlyTer)

Gene: RECQL4 (RecQ like helicase 4; minus strand). Cytogenetic location: 8q24.3.
Variant type: Duplication.
Coding change: c.2644_2647dup on transcript NM_004260.4 (MANE Select); coding-DNA positions 2644 to 2647, 4 bases duplicated (GCTG; older notation c.2644_2647dupGCTG).
Protein change: p.Glu883delinsGlyTer.
Molecular consequence: nonsense.
Genome position (GRCh38, 1-based): chr8:144,512,955-144,512,958, CAGC duplicated on the plus strand (GCTG on the coding strand, the reverse complement: RECQL4 is on the minus strand); duplicating any 4 consecutive bases within chr8:144,512,955-144,512,959 gives the same sequence; the c. name uses the placement nearest the transcript's 3' end. VCF-style (leftmost placement, unchanged base first): chr8-144512954-T-TCAGC. GRCh37 (hg19) VCF-style: chr8-145738337-T-TCAGC.
Identifiers: ClinVar variation 1453899 (VCV001453899.6), dbSNP rs2130670737, ClinGen allele CA2573143067.

ClinVar aggregate classification (germline): Pathogenic (1 of 4 stars; one submission).

Conditions:
Baller-Gerold syndrome (BGS). Also called: CRANIOSYNOSTOSIS WITH RADIAL DEFECTS. Identifiers: Orphanet 1225, MedGen C0265308, MONDO:0009039, OMIM 218600.

Submission:

Labcorp Genetics (formerly Invitae), Labcorp
Classification: Pathogenic for Baller-Gerold syndrome. Last evaluated: 2023-07-03. Review status: criteria provided, single submitter. Criteria: Invitae Variant Classification Sherloc (09022015). Collection method: clinical testing. Allele origin: germline.
Comment: This sequence change creates a premature translational stop signal (p.Glu883Glyfs*2) in the RECQL4 gene. It is expected to result in an absent or disrupted protein product. Loss-of-function variants in RECQL4 are known to be pathogenic (PMID: 12734318, 12952869). For these reasons, this variant has been classified as Pathogenic. ClinVar contains an entry for this variant (Variation ID: 1453899). This variant has not been reported in the literature in individuals affected with RECQL4-related conditions. This variant is not present in population databases (gnomAD no frequency).

Literature cited by the submitters: PubMed 12734318; PubMed 12952869.